The following is an entry in ClinVar:

ClinVar aggregate classification (germline): Benign. Review status: criteria provided, multiple submitters, no conflicts (2 of 4 stars). 3 submissions from 3 submitters: Benign (2). 1 of the submissions does not count toward it. Last evaluated 2026-02-04.

Conditions:
FBN3-related disorder. Also called: FBN3-related condition.

Allele frequency attached by ClinVar (database versions not stated): 1000 Genomes Project 0.13778; TOPMed 0.21795; gnomAD 0.22599 and 0.22823; ExAC 0.24714; ESP Exome Variant Server 0.25196; 1000 Genomes Project 30x 0.13851; gnomAD exomes 0.24362 and 0.29397.
gnomAD v4.1: 463,056 of 1,612,494 alleles (29%); highest among the groups gnomAD compares: Middle Eastern, 33%; 72,056 homozygotes.

Submissions (3):

Labcorp Genetics (formerly Invitae), Labcorp
Classification: Benign. Last evaluated: 2026-02-04. Review status: criteria provided, single submitter. Criteria: Invitae Variant Classification Sherloc (09022015). Collection method: clinical testing. Allele origin: germline.

Breakthrough Genomics
Classification: Benign. Review status: criteria provided, single submitter. Criteria: ACMG Guidelines, 2015. Collection method: not provided. Allele origin: germline. Inheritance: Unknown mechanism. Affected: yes.

PreventionGenetics, part of Exact Sciences
Classification: Benign for FBN3-related condition. Last evaluated: 2019-10-18. Review status: no assertion criteria provided. Collection method: clinical testing. Allele origin: germline. Not counted in ClinVar's aggregate classification.
Comment: This variant is classified as benign based on ACMG/AMP sequence variant interpretation guidelines (Richards et al. 2015 PMID: 25741868, with internal and published modifications).

NM_032447.5(FBN3):c.4840G>A (p.Gly1614Ser)

Gene: FBN3 (fibrillin 3; minus strand). Cytogenetic location: 19p13.2.
Variant type: single nucleotide variant.
Coding change: c.4840G>A on transcript NM_032447.5 (MANE Select); coding-DNA position 4840, G replaced by A.
Protein change: p.Gly1614Ser; replaces glycine 1614 with serine.
Molecular consequence: missense variant.
Genome position (GRCh38, 1-based): chr19:8,103,661, C>T on the plus strand (G>A on the coding strand, the complement: FBN3 is on the minus strand). VCF-style: chr19-8103661-C-T. GRCh37 (hg19) VCF-style: chr19-8168545-C-T.
Other names: c.4840G>A (NM_001321431.1); c.4840G>A, p.Gly1614Ser (NM_001321431.2); short protein forms G1614S.
Identifiers: ClinVar variation 1598993 (VCV001598993.11), dbSNP rs33967815, ClinGen allele CA9151886.